The following is an entry in ClinVar:

ClinVar aggregate classification (germline): Uncertain significance (1 of 4 stars; one submission).

Submission:

GeneDx
Classification: Uncertain significance. Last evaluated: 2022-01-05. Review status: criteria provided, single submitter. Criteria: GeneDx Variant Classification Process June 2021. Collection method: clinical testing. Allele origin: germline. Affected: yes.
Comment: Has not been previously published as pathogenic or benign to our knowledge; Not observed at significant frequency in large population cohorts (gnomAD); In silico analysis supports that this missense variant has a deleterious effect on protein structure/function; Missense variants in this gene are often considered pathogenic (HGMD)

NM_001330260.2(SCN8A):c.168C>G (p.Asn56Lys)

Genes: SCN8A (sodium voltage-gated channel alpha subunit 8; plus strand), LOC114803470 (SCN8A eExon liver enhancer; plus strand). Cytogenetic location: 12q13.13.
Variant type: single nucleotide variant.
Coding change: c.168C>G on transcript NM_001330260.2 (MANE Select); coding-DNA position 168, C replaced by G.
Protein change: p.Asn56Lys; replaces asparagine 56 with lysine.
Molecular consequence: missense variant.
Genome position (GRCh38, 1-based): chr12:51,662,985, C>G. VCF-style: chr12-51662985-C-G. GRCh37 (hg19) VCF-style: chr12-52056769-C-G.
Other names: c.168C>G, p.Asn56Lys (NM_001177984.3, NM_001369788.1, NM_014191.4); short protein forms N56K.
Identifiers: ClinVar variation 1695686 (VCV001695686.2), dbSNP rs1940955072, ClinGen allele CA385228130.